The following is an entry in ClinVar:

ClinVar aggregate classification (germline): Uncertain significance. Review status: criteria provided, multiple submitters, no conflicts (2 of 4 stars). 5 submissions from 5 submitters: Uncertain significance (5). Last evaluated 2025-10-21.

Conditions:
Hereditary breast ovarian cancer syndrome. Also called: Breast and ovarian cancer; Hereditary breast and ovarian cancer; Hereditary breast and ovarian cancer syndrome; Hereditary breast and/or ovarian cancer syndrome; BRCA1- and BRCA2-Associated Hereditary Breast and Ovarian Cancer; Hereditary breast and ovarian cancer syndrome (HBOC). Identifiers: Orphanet 145, MedGen C0677776, MeSH D061325, MONDO:0003582. Disease mechanism: loss of function.
Breast-ovarian cancer, familial, susceptibility to, 1 (BROVCA1). Also called: BRCA1 Hereditary Breast and Ovarian Cancer; OVARIAN CANCER, SUSCEPTIBILITY TO. Identifiers: Orphanet 145, MedGen C2676676, MONDO:0011450, OMIM 604370. Disease mechanism: loss of function.
Hereditary cancer-predisposing syndrome. Also called: Tumor predisposition; Hereditary Cancer Syndrome; Neoplastic Syndromes, Hereditary; Hereditary neoplastic syndrome. Identifiers: Orphanet 140162, MedGen C0027672, MeSH D009386, MONDO:0015356.

Allele frequency attached by ClinVar (database versions not stated): gnomAD 0.00001; TOPMed 0.00001.

Submissions (5):

Quest Diagnostics Nichols Institute San Juan Capistrano
Classification: Uncertain significance. Last evaluated: 2025-10-21. Review status: criteria provided, single submitter. Criteria: Quest Diagnostics criteria. Collection method: clinical testing. Allele origin: unknown.
Comment: The BRCA1 c.442C>A (p.Gln148Lys) variant has been reported in the published literature in an individual with personal or family history of cancer (PMID: 31853058 (2020)). The frequency of this variant in the general population (Genome Aggregation Database) is uninformative in the assessment of its pathogenicity. Analysis of this variant using bioinformatics tools for the prediction of the effect of amino acid changes on protein structure and function yielded predictions that this variant is benign. Based on the available information, we are unable to determine the clinical significance of this variant.

Ambry Genetics
Classification: Uncertain significance for Hereditary cancer-predisposing syndrome. Last evaluated: 2025-06-27. Review status: criteria provided, single submitter. Criteria: Ambry Variant Classification Scheme 2023. Collection method: clinical testing. Allele origin: germline.
Comment: The p.Q148K variant (also known as c.442C>A) is located in coding exon 6 of the BRCA1 gene. The glutamine at codon 148 is replaced by lysine, an amino acid with similar properties. This change occurs in the first base pair of coding exon 6. This amino acid position is highly conserved in available vertebrate species. In silico splice site analysis predicts that this alteration may weaken the native splice acceptor site and may result in the creation or strengthening of a novel splice acceptor site. RNA studies have demonstrated that this alteration results in an incomplete splice defect; the clinical impact of this abnormal splicing is unknown at this time (Ambry internal data). In addition, as a missense variant, the in silico prediction for impact on the protein is inconclusive Since supporting evidence is limited at this time, the clinical significance of this alteration remains unclear.

Labcorp Genetics (formerly Invitae), Labcorp
Classification: Uncertain significance for Hereditary breast ovarian cancer syndrome. Last evaluated: 2025-05-27. Review status: criteria provided, single submitter. Criteria: Invitae Variant Classification Sherloc (09022015). Collection method: clinical testing. Allele origin: germline.
Comment: This sequence change replaces glutamine, which is neutral and polar, with lysine, which is basic and polar, at codon 148 of the BRCA1 protein (p.Gln148Lys). This variant is not present in population databases (gnomAD no frequency). This variant has not been reported in the literature in individuals affected with BRCA1-related conditions. ClinVar contains an entry for this variant (Variation ID: 233408). An algorithm developed to predict the effect of missense changes on protein structure and function (PolyPhen-2) suggests that this variant is likely to be disruptive. Studies have shown that this missense change is associated with inconclusive levels of altered splicing (internal data). In summary, the available evidence is currently insufficient to determine the role of this variant in disease. Therefore, it has been classified as a Variant of Uncertain Significance.

Color Diagnostics, LLC DBA Color Health
Classification: Uncertain significance for Hereditary cancer-predisposing syndrome. Last evaluated: 2024-09-03. Review status: criteria provided, single submitter. Criteria: ACMG Guidelines, 2015. Collection method: clinical testing. Allele origin: germline.
Comment: This missense variant replaces glutamine with lysine at codon 148 of the BRCA1 protein. Computational prediction is inconclusive regarding the impact of this variant on protein structure and function. This single nucleotide change is located in the first nucleotide of exon 7 and adjacent to the intron 6 splice acceptor site. Splicing prediction algorithms have predicted a splicing impact (PMID: 30661751, 35449021), and this variant has been reported to have incomplete splicing impact of uncertain functional significance (ClinVar accession id: SCV000277777.8, SCV000549353.8). A multifactorial analysis has reported a likelihood ratio for pathogenicity based on personal and family history of 0.347 from log(LR)=-0.460146576 of a single carrier (PMID: 31853058). This variant has not been identified in the general population by the Genome Aggregation Database (gnomAD). The available evidence is insufficient to determine the role of this variant in disease conclusively. Therefore, this variant is classified as a Variant of Uncertain Significance.

Baylor Genetics
Classification: Uncertain significance for Breast-ovarian cancer, familial, susceptibility to, 1. Last evaluated: 2024-03-30. Review status: criteria provided, single submitter. Criteria: ACMG Guidelines, 2015. Collection method: clinical testing. Allele origin: unknown.

Literature cited by the submitters: PubMed 31853058 (cited by Quest Diagnostics Nichols Institute San Juan Capistrano and Color Diagnostics, LLC DBA Color Health); PubMed 30661751 (cited by Color Diagnostics, LLC DBA Color Health); PubMed 35449021 (cited by Color Diagnostics, LLC DBA Color Health).

NM_007294.4(BRCA1):c.442C>A (p.Gln148Lys)

Gene: BRCA1 (BRCA1 DNA repair associated; minus strand). Cytogenetic location: 17q21.31.
Variant type: single nucleotide variant.
Coding change: c.442C>A on transcript NM_007294.4 (MANE Select); coding-DNA position 442, C replaced by A.
Protein change: p.Gln148Lys; replaces glutamine 148 with lysine.
Molecular consequence: missense variant.
Genome position (GRCh38, 1-based): chr17:43,099,880, G>T on the plus strand (C>A on the coding strand, the complement: BRCA1 is on the minus strand). VCF-style: chr17-43099880-G-T. GRCh37 (hg19) VCF-style: chr17-41251897-G-T.
Other names: c.61C>A, p.Gln21Lys (NM_001408510.1, NM_001408512.1, NM_001407959.1 and 3 more transcripts); c.232C>A, p.Gln78Lys (NM_001408513.1, NM_001408514.1, NM_001407879.1 and 37 more transcripts); c.301C>A, p.Gln101Lys (NM_007297.4, NM_001407692.1, NM_001407694.1 and 61 more transcripts); c.442C>A, p.Gln148Lys (NM_007298.4, NM_007299.4, NM_007300.4 and 97 more transcripts); c.433C>A, p.Gln145Lys (NM_001407646.1, NM_001407647.1, NM_001408408.1); c.364C>A, p.Gln122Lys (NM_001407653.1, NM_001407654.1, NM_001407655.1 and 12 more transcripts); short protein forms Q148K, Q101K, Q145K, Q122K, Q21K, Q78K.
Identifiers: ClinVar variation 233408 (VCV000233408.20), dbSNP rs876659614, ClinGen allele CA10580700.